The following is an entry in ClinVar:

NM_022166.4(XYLT1):c.848C>G (p.Thr283Ser)

Gene: XYLT1 (xylosyltransferase 1; minus strand). Cytogenetic location: 16p12.3.
Variant type: single nucleotide variant.
Coding change: c.848C>G on transcript NM_022166.4 (MANE Select); coding-DNA position 848, C replaced by G.
Protein change: p.Thr283Ser; replaces threonine 283 with serine.
Molecular consequence: missense variant.
Genome position (GRCh38, 1-based): chr16:17,259,053, G>C on the plus strand (C>G on the coding strand, the complement: XYLT1 is on the minus strand). VCF-style: chr16-17259053-G-C. GRCh37 (hg19) VCF-style: chr16-17352910-G-C.
Other names: c.848C>G (NM_022166.3); short protein forms T283S.
Identifiers: ClinVar variation 1016503 (VCV001016503.7), dbSNP rs763286849, ClinGen allele CA7928096.

ClinVar aggregate classification (germline): Uncertain significance. Review status: criteria provided, multiple submitters, no conflicts (2 of 4 stars). 2 submissions from 2 submitters: Uncertain significance (2). Last evaluated 2026-02-25.

Conditions:
Desbuquois dysplasia 1 (DBQD1). Also called: MICROMELIC DWARFISM WITH VERTEBRAL AND METAPHYSEAL ABNORMALITIES AND ADVANCED CARPOTARSAL OSSIFICATION; DESBUQUOIS DYSPLASIA 1, KIM VARIANT. Identifiers: Orphanet 1425, MedGen C4012146, MONDO:0009629, OMIM 251450.

Allele frequency attached by ClinVar (database versions not stated): gnomAD exomes 0.00001; ExAC 0.00002; TOPMed 0.00002.
gnomAD v4.1: 2 of 1,518,300 alleles (0.00013%); highest among the groups gnomAD compares: Admixed American, 0.0045%; no homozygotes.

Submissions (2):

GeneDx
Classification: Uncertain significance. Last evaluated: 2026-02-25. Review status: criteria provided, single submitter. Criteria: GeneDx Variant Classification Process June 2021. Collection method: clinical testing. Allele origin: germline.
Comment: Not observed at significant frequency in large population cohorts (gnomAD); In silico analysis suggests that this missense variant does not alter protein structure/function; Has not been previously published as pathogenic or benign to our knowledge

Labcorp Genetics (formerly Invitae), Labcorp
Classification: Uncertain significance for Desbuquois dysplasia 1. Last evaluated: 2022-07-12. Review status: criteria provided, single submitter. Criteria: Invitae Variant Classification Sherloc (09022015). Collection method: clinical testing. Allele origin: germline.
Comment: This sequence change replaces threonine, which is neutral and polar, with serine, which is neutral and polar, at codon 283 of the XYLT1 protein (p.Thr283Ser). This variant is present in population databases (rs763286849, gnomAD 0.01%). This variant has not been reported in the literature in individuals affected with XYLT1-related conditions. ClinVar contains an entry for this variant (Variation ID: 1016503). Algorithms developed to predict the effect of missense changes on protein structure and function (SIFT, PolyPhen-2, Align-GVGD) all suggest that this variant is likely to be tolerated. In summary, the available evidence is currently insufficient to determine the role of this variant in disease. Therefore, it has been classified as a Variant of Uncertain Significance.